The following is an entry in ClinVar:

NM_000346.4(SOX9):c.253G>C (p.Asp85His)

Genes: SOX9 (SRY-box transcription factor 9; plus strand), LOC108021846 (SOX9 promoter region; plus strand). Cytogenetic location: 17q24.3.
Variant type: single nucleotide variant.
Coding change: c.253G>C on transcript NM_000346.4 (MANE Select); coding-DNA position 253, G replaced by C.
Protein change: p.Asp85His; replaces aspartic acid 85 with histidine.
Molecular consequence: missense variant.
Genome position (GRCh38, 1-based): chr17:72,121,644, G>C. VCF-style: chr17-72121644-G-C. GRCh37 (hg19) VCF-style: chr17-70117785-G-C.
Other names: short protein forms D85H.
Identifiers: ClinVar variation 2717839 (VCV002717839.3), dbSNP rs368623884, ClinGen allele CA293781192.

ClinVar aggregate classification (germline): Uncertain significance (1 of 4 stars; one submission).

Conditions:
Camptomelic dysplasia (CMPD). Also called: Campomelic Dysplasia; CMPD1/SRA1. Identifiers: Orphanet 140, MedGen C1861922, MONDO:0007251, OMIM 114290.

Allele frequency attached by ClinVar (database versions not stated): ESP Exome Variant Server 0.00008.
gnomAD v4.1: 9 of 1,600,358 alleles (0.00056%); highest among the groups gnomAD compares: Non-Finnish European, 0.00077%; no homozygotes.

Submission:

Labcorp Genetics (formerly Invitae), Labcorp
Classification: Uncertain significance for Camptomelic dysplasia. Last evaluated: 2023-07-25. Review status: criteria provided, single submitter. Criteria: Invitae Variant Classification Sherloc (09022015). Collection method: clinical testing. Allele origin: germline.
Comment: In summary, the available evidence is currently insufficient to determine the role of this variant in disease. Therefore, it has been classified as a Variant of Uncertain Significance. Advanced modeling of protein sequence and biophysical properties (such as structural, functional, and spatial information, amino acid conservation, physicochemical variation, residue mobility, and thermodynamic stability) performed at Invitae indicates that this missense variant is expected to disrupt SOX9 protein function. This variant has not been reported in the literature in individuals affected with SOX9-related conditions. This variant is not present in population databases (gnomAD no frequency). This sequence change replaces aspartic acid, which is acidic and polar, with histidine, which is basic and polar, at codon 85 of the SOX9 protein (p.Asp85His).